The following is an entry in ClinVar:

ClinVar aggregate classification (germline): Uncertain significance. Review status: criteria provided, multiple submitters, no conflicts (2 of 4 stars). 2 submissions from 2 submitters: Uncertain significance (2). Last evaluated 2022-08-01.

gnomAD v4.1: 13 of 1,575,776 alleles (0.00082%); highest among the groups gnomAD compares: African/African-American, 0.0014%; no homozygotes.

Submissions (2):

CeGaT Center for Human Genetics Tuebingen
Classification: Uncertain significance. Last evaluated: 2022-08-01. Review status: criteria provided, single submitter. Criteria: CeGaT Center For Human Genetics Tuebingen Variant Classification Criteria Version 2. Collection method: clinical testing. Allele origin: germline. Affected: yes. Observed: 1 variant allele.
Comment: SRCAP: PM2

Labcorp Genetics (formerly Invitae), Labcorp
Classification: Uncertain significance. Last evaluated: 2022-03-14. Review status: criteria provided, single submitter. Criteria: Invitae Variant Classification Sherloc (09022015). Collection method: clinical testing. Allele origin: germline.
Comment: In summary, the available evidence is currently insufficient to determine the role of this variant in disease. Therefore, it has been classified as a Variant of Uncertain Significance. Algorithms developed to predict the effect of missense changes on protein structure and function are either unavailable or do not agree on the potential impact of this missense change (SIFT: "Deleterious"; PolyPhen-2: "Not Available"; Align-GVGD: "Class C0"). This variant has not been reported in the literature in individuals affected with SRCAP-related conditions. This variant is not present in population databases (gnomAD no frequency). This sequence change replaces arginine, which is basic and polar, with glutamine, which is neutral and polar, at codon 2766 of the SRCAP protein (p.Arg2766Gln).

NM_006662.3(SRCAP):c.8297G>A (p.Arg2766Gln)

Gene: SRCAP (Snf2 related CREBBP activator protein; plus strand). Cytogenetic location: 16p11.2.
Variant type: single nucleotide variant.
Coding change: c.8297G>A on transcript NM_006662.3 (MANE Select); coding-DNA position 8297, G replaced by A.
Protein change: p.Arg2766Gln; replaces arginine 2766 with glutamine.
Molecular consequence: missense variant.
Genome position (GRCh38, 1-based): chr16:30,738,337, G>A. VCF-style: chr16-30738337-G-A. GRCh37 (hg19) VCF-style: chr16-30749658-G-A.
Other names: short protein forms R2766Q.
Identifiers: ClinVar variation 1988876 (VCV001988876.28), dbSNP rs1223875160, ClinGen allele CA395637014.
Genomic context (GRCh38, chr16:30,738,337, plus strand): 5'-TGCTTCGAAAGCTGCCAGGACGGCTGGTAACTGTGGTAGAGGAAAAGGAACTGGTGCGGC[G>A]GCGGCGGCAGCAGCGGGGAGCTGCCAGCACCCTAGTGCCTGGGGTCTCTGAGACTAGTGC-3'
Protein context (NP_006653.2, residues 2756-2776): TVVEEKELVR[Arg2766Gln]RRQQRGAAST